The following is an entry in ClinVar:

NM_000179.3(MSH6):c.627+157A>G

Gene: MSH6 (mutS homolog 6; plus strand). Cytogenetic location: 2p16.3.
Variant type: single nucleotide variant.
Coding change: c.627+157A>G on transcript NM_000179.3 (MANE Select); 157 bases into the intron after coding-DNA position 627, A replaced by G.
Molecular consequence: intron variant.
Genome position (GRCh38, 1-based): chr2:47,796,220, A>G. VCF-style: chr2-47796220-A-G. GRCh37 (hg19) VCF-style: chr2-48023359-A-G.
Other names: c.-279-2391A>G (NM_001281493.2); c.238-2391A>G (NM_001281492.2); c.-276+157A>G (NM_001281494.2).
Identifiers: ClinVar variation 678914 (VCV000678914.1), dbSNP rs3136318, ClinGen allele CA46703625.
Genomic context (GRCh38, chr2:47,796,220, plus strand): 5'-GTGTGTATATGTATTATTTTATTATACATACATGCATACTTCTGTAGTTCCCTGGACTGT[A>G]GGATAAGTTAGGTTACTTAGAATCTCAACAGCTAGCATCGTTTTTACTTAGGTTTTCAAG-3'

ClinVar aggregate classification (germline): Benign (1 of 4 stars; one submission).

Allele frequency attached by ClinVar (database versions not stated): gnomAD 0.02490 and 0.02708; 1000 Genomes Project 0.02616; TOPMed 0.02744; 1000 Genomes Project 30x 0.02826.
gnomAD v4.1: 3,758 of 152,298 alleles (2.5%); highest among the groups gnomAD compares: African/African-American, 8.6%; 158 homozygotes.

Submission:

GeneDx
Classification: Benign. Last evaluated: 2018-06-18. Review status: criteria provided, single submitter. Criteria: GeneDx Variant Classification (06012015). Collection method: clinical testing. Allele origin: germline. Affected: yes.
Comment: This variant is considered likely benign or benign based on one or more of the following criteria: it is a conservative change, it occurs at a poorly conserved position in the protein, it is predicted to be benign by multiple in silico algorithms, and/or has population frequency not consistent with disease.